The following is an entry in ClinVar:

ClinVar aggregate classification (germline): Uncertain significance (1 of 4 stars; one submission).

Allele frequency attached by ClinVar (database versions not stated): gnomAD exomes below 0.00001; TOPMed 0.00001.
gnomAD v4.1: 8 of 1,613,746 alleles (0.0005%); highest among the groups gnomAD compares: Non-Finnish European, 0.00051%; no homozygotes.

Submission:

Ambry Genetics
Classification: Uncertain significance. Last evaluated: 2023-10-22. Review status: criteria provided, single submitter. Criteria: Ambry Variant Classification Scheme 2023. Collection method: clinical testing. Allele origin: germline.
Comment: The p.N205S variant (also known as c.614A>G), located in coding exon 4 of the MNDA gene, results from an A to G substitution at nucleotide position 614. The asparagine at codon 205 is replaced by serine, an amino acid with highly similar properties. This amino acid position is conserved. In addition, this alteration is predicted to be tolerated by in silico analysis. Since supporting evidence is limited at this time, the clinical significance of this alteration remains unclear.

NM_002432.3(MNDA):c.614A>G (p.Asn205Ser)

Gene: MNDA (myeloid cell nuclear differentiation antigen; plus strand). Cytogenetic location: 1q23.1.
Variant type: single nucleotide variant.
Coding change: c.614A>G on transcript NM_002432.3 (MANE Select); coding-DNA position 614, A replaced by G.
Protein change: p.Asn205Ser; replaces asparagine 205 with serine.
Molecular consequence: missense variant.
Genome position (GRCh38, 1-based): chr1:158,845,630, A>G. VCF-style: chr1-158845630-A-G. GRCh37 (hg19) VCF-style: chr1-158815420-A-G.
Other names: short protein forms N205S.
Identifiers: ClinVar variation 1751864 (VCV001751864.2), dbSNP rs1046005233, ClinGen allele CA31306014.
Genomic context (GRCh38, chr1:158,845,630, plus strand): 5'-GTGTCTGCCCAACACAGAATCAGGAAACCCAGGCCCAACGGCAGGTGGATGCAAGAAGAA[A>G]TGTTCCCCAAAACGACCCAGTGACAGTGGTGGTACTGAAAGCAACAGCGCCATTTAAATA-3'
Protein context (NP_002423.1, residues 195-215): QAQRQVDARR[Asn205Ser]VPQNDPVTVV